The following is an entry in ClinVar:

NM_004006.3(DMD):c.9315_9326del (p.Tyr3106_Ala3109del)

Gene: DMD (dystrophin; minus strand). Cytogenetic location: Xp21.2.
Variant type: Deletion.
Coding change: c.9315_9326del on transcript NM_004006.3 (MANE Select); coding-DNA positions 9315 to 9326, 12 bases deleted (TTATAGGACTGC).
Protein change: p.Tyr3106_Ala3109del.
Molecular consequence: inframe deletion.
Genome position (GRCh38, 1-based): chrX:31,223,082-31,223,093, GCAGTCCTATAA deleted on the plus strand (TTATAGGACTGC on the coding strand, the reverse complement: DMD is on the minus strand); deleting any 12 consecutive bases within chrX:31,223,082-31,223,095 gives the same sequence; the c. name uses the placement nearest the transcript's 3' end. VCF-style (leftmost placement, unchanged base first): chrX-31223081-GGCAGTCCTATAA-G. GRCh37 (hg19) VCF-style: chrX-31241198-GGCAGTCCTATAA-G.
Other names: c.9291_9302del, p.Tyr3098_Ala3101del (NM_000109.4); c.9303_9314del, p.Tyr3102_Ala3105del (NM_004009.3); c.8946_8957del, p.Tyr2983_Ala2986del (NM_004010.3); c.5292_5303del, p.Tyr1765_Ala1768del (NM_004011.4); c.5283_5294del, p.Tyr1762_Ala1765del (NM_004012.4); c.1935_1946del, p.Tyr646_Ala649del (NM_004013.3, NM_004020.4, NM_004021.3 and 2 more transcripts); c.1128_1139del, p.Tyr377_Ala380del (NM_004014.3); c.111_122del, p.Tyr38_Ala41del (NM_004015.3, NM_004016.3, NM_004017.3 and 2 more transcripts).
Identifiers: ClinVar variation 166660 (VCV000166660.13), dbSNP rs727503800, ClinGen allele CA233451.

ClinVar aggregate classification (germline): Uncertain significance. Review status: criteria provided, multiple submitters, no conflicts (2 of 4 stars). 2 submissions from 2 submitters: Uncertain significance (2). Last evaluated 2022-02-28.

Conditions:
Duchenne muscular dystrophy (DMD). Also called: Duchenne Muscular Dystrophy (DMD); MUSCULAR DYSTROPHY, PSEUDOHYPERTROPHIC PROGRESSIVE, DUCHENNE TYPE. Identifiers: Orphanet 98896, MedGen C0013264, MONDO:0010679, OMIM 310200.

Submissions (2):

Labcorp Genetics (formerly Invitae), Labcorp
Classification: Uncertain significance for Duchenne muscular dystrophy. Last evaluated: 2022-02-28. Review status: criteria provided, single submitter. Criteria: Invitae Variant Classification Sherloc (09022015). Collection method: clinical testing. Allele origin: germline.
Comment: Experimental studies and prediction algorithms are not available or were not evaluated, and the functional significance of this variant is currently unknown. In summary, the available evidence is currently insufficient to determine the role of this variant in disease. Therefore, it has been classified as a Variant of Uncertain Significance. This variant, c.9315_9326del, results in the deletion of 4 amino acid(s) of the DMD protein (p.Tyr3106_Ala3109del), but otherwise preserves the integrity of the reading frame. This variant is not present in population databases (gnomAD no frequency). This variant has been observed in individual(s) with Duchenne muscular dystrophy (external communication). ClinVar contains an entry for this variant (Variation ID: 166660).

Eurofins Ntd Llc (ga)
Classification: Uncertain significance. Last evaluated: 2014-05-02. Review status: criteria provided, single submitter. Criteria: EGL Classification Definitions 2015. Collection method: clinical testing. Allele origin: germline. Observed: 1 variant allele, 1 hemizygote.